The following is an entry in ClinVar:

NM_015559.3(SETBP1):c.1676del (p.Pro559fs)

Gene: SETBP1 (SET binding protein 1; plus strand). Cytogenetic location: 18q12.3.
Variant type: Deletion.
Coding change: c.1676del on transcript NM_015559.3 (MANE Select); coding-DNA position 1676, one base deleted (C; older notation c.1676delC).
Protein change: p.Pro559fs; shifts the reading frame from proline 559.
Molecular consequence: frameshift variant.
Genome position (GRCh38, 1-based): chr18:44,951,016, C deleted; the last of 5 consecutive C bases (chr18:44,951,012-44,951,016); deleting any one gives the same sequence. VCF-style (leftmost placement, unchanged base first): chr18-44951011-GC-G. GRCh37 (hg19) VCF-style: chr18-42530976-GC-G.
Other names: c.1676del, p.Pro559fs (LRG_1150t1); short protein forms P559fs.
Identifiers: ClinVar variation 423032 (VCV000423032.2), dbSNP rs1064796181, ClinGen allele CA16620689.

ClinVar aggregate classification (germline): Pathogenic (1 of 4 stars; one submission).

Submission:

GeneDx
Classification: Pathogenic. Last evaluated: 2017-01-24. Review status: criteria provided, single submitter. Criteria: GeneDx Variant Classification (06012015). Collection method: clinical testing. Allele origin: germline. Affected: yes.
Comment: The c.1676delC variant in the SETBP1 gene has not been reported previously as a pathogenic variant nor as a benign variant, to our knowledge. The c.1676delC variant causes a frameshift starting with codon Proline 559, changes this amino acid to an Arginine residue, and creates a premature Stop codon at position 21 of the new reading frame, denoted p.Pro559ArgfsX21. This variant is predicted to cause loss of normal protein function either through protein truncation or nonsense-mediated mRNA decay. The c.1676delC variant was not observed in approximately 6500 individuals of European and African American ancestry in the NHLBI Exome Sequencing Project, indicating it is not a common benign variant in these populations. We interpret c.1676delC as a pathogenic variant.